The following is an entry in ClinVar:

NM_001297.5(CNGB1):c.2544del (p.Leu849fs)

Gene: CNGB1 (cyclic nucleotide gated channel subunit beta 1; minus strand). Cytogenetic location: 16q21.
Variant type: Deletion.
Coding change: c.2544del on transcript NM_001297.5 (MANE Select); coding-DNA position 2544, one base deleted (G; older notation c.2544delG).
Protein change: p.Leu849fs; shifts the reading frame from leucine 849.
Molecular consequence: frameshift variant.
Genome position (GRCh38, 1-based): chr16:57,904,824, C deleted on the plus strand (G on the coding strand, the reverse complement: CNGB1 is on the minus strand); the first of 6 consecutive C bases (chr16:57,904,824-57,904,829); deleting any one gives the same sequence. VCF-style (leftmost placement, unchanged base first): chr16-57904823-GC-G. GRCh37 (hg19) VCF-style: chr16-57938727-GC-G.
Other names: c.2526del, p.Leu843fs (NM_001286130.2); short protein forms L843fs, L849fs.
Identifiers: ClinVar variation 1333519 (VCV001333519.4), dbSNP rs760430056, ClinGen allele CA8082931.

ClinVar aggregate classification (germline): Pathogenic/Likely pathogenic. Review status: criteria provided, multiple submitters, no conflicts (2 of 4 stars). 2 submissions from 2 submitters: Pathogenic (1); Likely pathogenic (1). Last evaluated 2023-04-28.

Conditions:
Retinitis pigmentosa 45 (RP45). Identifiers: Orphanet 791, MedGen C3151066, MONDO:0013413, OMIM 613767.

Submissions (2):

Labcorp Genetics (formerly Invitae), Labcorp
Classification: Pathogenic. Last evaluated: 2023-04-28. Review status: criteria provided, single submitter. Criteria: Invitae Variant Classification Sherloc (09022015). Collection method: clinical testing. Allele origin: germline.
Comment: For these reasons, this variant has been classified as Pathogenic. ClinVar contains an entry for this variant (Variation ID: 1333519). This premature translational stop signal has been observed in individual(s) with CNGB1-related conditions (PMID: 26894784). This variant is present in population databases (rs768476420, gnomAD 0.003%). This sequence change creates a premature translational stop signal (p.Leu849Cysfs*15) in the CNGB1 gene. It is expected to result in an absent or disrupted protein product. Loss-of-function variants in CNGB1 are known to be pathogenic (PMID: 15557452, 24043777).

3billion
Classification: Likely pathogenic for Retinitis pigmentosa 45. Last evaluated: 2022-01-03. Review status: criteria provided, single submitter. Criteria: ACMG Guidelines, 2015. Collection method: clinical testing. Allele origin: germline. Affected: yes. Observed: 1 homozygote.
Comment: Frameshift: predicted to result in a loss or disruption of normal protein function through nonsense-mediated decay (NMD) or protein truncation. Multiple pathogenic variants are reported downstream of the variant (PVS1_VS). It is observed at an extremely low frequency in the gnomAD v2.1.1 dataset (total allele frequency: 0.000008, PM2_M). Therefore, this variant is classified as likely pathogenic according to the recommendation of ACMG/AMP guideline.

Literature cited by the submitters: PubMed 26894784 (cited by Labcorp Genetics (formerly Invitae), Labcorp); PubMed 15557452 (cited by Labcorp Genetics (formerly Invitae), Labcorp); PubMed 24043777 (cited by Labcorp Genetics (formerly Invitae), Labcorp).